The following is an entry in ClinVar:

NM_004006.3(DMD):c.8218-798G>A

Gene: DMD (dystrophin; minus strand). Cytogenetic location: Xp21.1.
Variant type: single nucleotide variant.
Coding change: c.8218-798G>A on transcript NM_004006.3 (MANE Select); 798 bases into the intron before coding-DNA position 8218, G replaced by A.
Molecular consequence: intron variant. On other transcripts: 5 prime UTR variant (1).
Genome position (GRCh38, 1-based): chrX:31,508,251, C>T on the plus strand (G>A on the coding strand, the complement: DMD is on the minus strand). VCF-style: chrX-31508251-C-T. GRCh37 (hg19) VCF-style: chrX-31526368-C-T.
Other names: c.-14G>A (NM_004014.3); c.8194-798G>A (NM_000109.4); c.4195-798G>A (NM_004011.4); c.4186-798G>A (NM_004012.4); c.838-798G>A (NM_004023.3, NM_004020.4, NM_004022.3 and 2 more transcripts); c.8206-798G>A (NM_004009.3); c.7849-798G>A (NM_004010.3).
Identifiers: ClinVar variation 226568 (VCV000226568.8), dbSNP rs149479376, ClinGen allele CA10378121.

ClinVar aggregate classification (germline): Benign/Likely benign. Review status: criteria provided, multiple submitters, no conflicts (2 of 4 stars). 5 submissions from 5 submitters: Benign (3); Likely benign (1). 1 of the submissions does not count toward it. Last evaluated 2024-10-18.

Conditions:
Dystrophin deficiency.
Becker muscular dystrophy (BMD). Also called: Becker Muscular Dystrophy (BMD); MUSCULAR DYSTROPHY, PSEUDOHYPERTROPHIC PROGRESSIVE, BECKER TYPE. Identifiers: Orphanet 98895, MedGen C0917713, MONDO:0010311, OMIM 300376.
Duchenne muscular dystrophy (DMD). Also called: Duchenne Muscular Dystrophy (DMD); MUSCULAR DYSTROPHY, PSEUDOHYPERTROPHIC PROGRESSIVE, DUCHENNE TYPE. Identifiers: Orphanet 98896, MedGen C0013264, MONDO:0010679, OMIM 310200.
Cardiomyopathy (CMYO). Also called: Cardiomyopathies. Identifiers: Orphanet 167848, MedGen C0878544, MONDO:0004994, HP:0001638. Inheritance: Various modes of inheritance.

Allele frequency attached by ClinVar (database versions not stated): gnomAD exomes 0.00083; ExAC 0.00119; gnomAD 0.00284 and 0.00299; 1000 Genomes Project 0.00291; 1000 Genomes Project 30x 0.00291; ESP Exome Variant Server 0.00336; TOPMed 0.00362.
gnomAD v4.1: 737 of 1,204,902 alleles (0.061%); highest among the groups gnomAD compares: African/African-American, 1%; 8 homozygotes.

Submissions (5):

Blueprint Genetics
Classification: Likely benign. Last evaluated: 2024-10-18. Review status: criteria provided, single submitter. Criteria: ACMG Guidelines, 2015. Collection method: clinical testing. Allele origin: germline.

GeneDx
Classification: Benign. Last evaluated: 2020-03-07. Review status: criteria provided, single submitter. Criteria: GeneDx Variant Classification Process June 2021. Collection method: clinical testing. Allele origin: germline. Affected: yes.

Laboratory for Molecular Medicine, Mass General Brigham Personalized Medicine
Classification: Benign. Last evaluated: 2014-11-24. Review status: criteria provided, single submitter. Criteria: LMM Criteria. Collection method: clinical testing. Allele origin: germline. Observed: 1 variant allele.
Comment: -14G>A in exon 1H of DMD: This variant is not expected to have clinical signific ance because it has been identified in 1.0% (32/3118) of African American chromo somes from a broad population by the NHLBI Exome Sequencing Project (.; dbSNP rs149479376).

Breakthrough Genomics
Classification: Benign. Review status: criteria provided, single submitter. Criteria: ACMG Guidelines, 2015. Collection method: not provided. Allele origin: germline. Inheritance: X-linked inheritance. Affected: yes.

Natera, Inc.
Classification: Benign for Becker muscular dystrophy; Cardiomyopathy; Duchenne muscular dystrophy; Dystrophin deficiency. Last evaluated: 2018-04-11. Review status: no assertion criteria provided. Collection method: clinical testing. Allele origin: germline. Not counted in ClinVar's aggregate classification.